The following is an entry in ClinVar:

ClinVar aggregate classification (germline): Conflicting classifications of pathogenicity. Review status: criteria provided, conflicting classifications (1 of 4 stars). 3 submissions from 3 submitters: Uncertain significance (1); Likely benign (2). Last evaluated 2024-08-05.

Conditions:
Hereditary breast ovarian cancer syndrome. Also called: Hereditary breast and ovarian cancer; Hereditary breast and ovarian cancer syndrome (HBOC); Breast and ovarian cancer; Hereditary breast and/or ovarian cancer syndrome; BRCA1- and BRCA2-Associated Hereditary Breast and Ovarian Cancer; Hereditary breast and ovarian cancer syndrome. Identifiers: Orphanet 145, MedGen C0677776, MeSH D061325, MONDO:0003582. Disease mechanism: loss of function.
Hereditary cancer-predisposing syndrome. Also called: Neoplastic Syndromes, Hereditary; Tumor predisposition; Hereditary Cancer Syndrome; Hereditary neoplastic syndrome. Identifiers: Orphanet 140162, MedGen C0027672, MeSH D009386, MONDO:0015356.
Breast-ovarian cancer, familial, susceptibility to, 1 (BROVCA1). Also called: BRCA1 Hereditary Breast and Ovarian Cancer; OVARIAN CANCER, SUSCEPTIBILITY TO. Identifiers: Orphanet 145, MedGen C2676676, MONDO:0011450, OMIM 604370. Disease mechanism: loss of function.

Submissions (4):

Color Diagnostics, LLC DBA Color Health
Classification: Likely benign for Hereditary cancer-predisposing syndrome. Last evaluated: 2024-08-05. Review status: criteria provided, single submitter. Criteria: ACMG Guidelines, 2015. Collection method: clinical testing. Allele origin: germline.

All of Us Research Program, National Institutes of Health
Classification: Uncertain significance for Breast-ovarian cancer, familial, susceptibility to, 1. Last evaluated: 2023-05-04. Review status: criteria provided, single submitter. Criteria: ACMG Guidelines, 2015. Collection method: clinical testing. Allele origin: germline. Inheritance: Autosomal dominant inheritance. Observed: 1 variant allele, 1 heterozygote.
Comment: This study involves interpretation of variants in research participants for the purpose of population health screening. Participant phenotype was not available at the time of variant classification. Additional details can be found in publication PMID: 35346344, PMCID: PMC8962531

Labcorp Genetics (formerly Invitae), Labcorp
Classification: Likely benign for Hereditary breast ovarian cancer syndrome. Last evaluated: 2021-05-13. Review status: criteria provided, single submitter. Criteria: Invitae Variant Classification Sherloc (09022015). Collection method: clinical testing. Allele origin: germline.

Brotman Baty Institute, University of Washington
No classification provided (evidence only). Condition: Breast-ovarian cancer, familial 1. Review status: no classification provided. Collection method: in vitro. Allele origin: not applicable. Functional consequence: functionally_normal. Not counted in ClinVar's aggregate classification.
ClinVar note: "not provided" was previously submitted as the classification for the variant. However, the classification appeared to be based only on an observation of functional data so it was converted to no classification on 2025-07-30.

NM_007294.4(BRCA1):c.5333-13A>G

Gene: BRCA1 (BRCA1 DNA repair associated; minus strand). Cytogenetic location: 17q21.31.
Variant type: single nucleotide variant.
Coding change: c.5333-13A>G on transcript NM_007294.4 (MANE Select); 13 bases into the intron before coding-DNA position 5333, A replaced by G.
Molecular consequence: intron variant.
Genome position (GRCh38, 1-based): chr17:43,049,207, T>C on the plus strand (A>G on the coding strand, the complement: BRCA1 is on the minus strand). VCF-style: chr17-43049207-T-C. GRCh37 (hg19) VCF-style: chr17-41201224-T-C.
Other names: c.1757-13A>G (NM_001408502.1, NM_001408504.1, NM_001408503.1); c.4997-13A>G (NM_001407951.1, NM_001407954.1, NM_001407952.1 and 3 more transcripts); c.5000-13A>G (NM_001407946.1, NM_001407948.1, NM_001407947.1 and 1 more transcripts); c.1811-13A>G (NM_001408489.1, NM_001408482.1, NM_001408484.1 and 5 more transcripts); c.1814-13A>G (NM_001408479.1, NM_001408478.1, NM_001408480.1); c.5120-13A>G (NM_001407910.1, NM_001407904.1, NM_001407896.1 and 12 more transcripts); c.5123-13A>G (NM_001407884.1, NM_001407879.1, NM_001407882.1 and 5 more transcripts); c.5321-13A>G (NM_001407646.1); and 84 more.
Identifiers: ClinVar variation 868335 (VCV000868335.21), dbSNP rs2051099941, ClinGen allele CA916080905.
Genomic context (GRCh38, chr17:43,049,207, plus strand): 5'-CCTTCACCACAGAAGCACCACACAGCTGTACCATCCATTCCAGTTGATCTAAAATGGACA[T>C]TTAGATGTAAAATCACTGCAGTAATCTGCATACTTAACCCAGGCCCTCTACCCTACACTC-3'